The following is an entry in ClinVar:

ClinVar aggregate classification (germline): Uncertain significance (1 of 4 stars; one submission).

Allele frequency attached by ClinVar (database versions not stated): gnomAD exomes 0.00004 and 0.00009; ExAC 0.00013; gnomAD 0.00035 and 0.00037; 1000 Genomes Project 0.00040; TOPMed 0.00041; 1000 Genomes Project 30x 0.00062; ESP Exome Variant Server 0.00062.
gnomAD v4.1: 114 of 1,614,134 alleles (0.0071%); highest among the groups gnomAD compares: African/African-American, 0.15%; no homozygotes.

Submission:

Labcorp Genetics (formerly Invitae), Labcorp
Classification: Uncertain significance. Last evaluated: 2022-08-05. Review status: criteria provided, single submitter. Criteria: Invitae Variant Classification Sherloc (09022015). Collection method: clinical testing. Allele origin: germline.
Comment: This sequence change replaces glutamine, which is neutral and polar, with arginine, which is basic and polar, at codon 1355 of the MCM3AP protein (p.Gln1355Arg). This variant is present in population databases (rs145378227, gnomAD 0.1%). This variant has not been reported in the literature in individuals affected with MCM3AP-related conditions. ClinVar contains an entry for this variant (Variation ID: 1433251). Algorithms developed to predict the effect of missense changes on protein structure and function output the following: SIFT: "Tolerated"; PolyPhen-2: "Benign"; Align-GVGD: "Class C0". The arginine amino acid residue is found in multiple mammalian species, which suggests that this missense change does not adversely affect protein function. In summary, the available evidence is currently insufficient to determine the role of this variant in disease. Therefore, it has been classified as a Variant of Uncertain Significance.

NM_003906.5(MCM3AP):c.4064A>G (p.Gln1355Arg)

Gene: MCM3AP (minichromosome maintenance complex component 3 associated protein; minus strand). Cytogenetic location: 21q22.3.
Variant type: single nucleotide variant.
Coding change: c.4064A>G on transcript NM_003906.5 (MANE Select); coding-DNA position 4064, A replaced by G.
Protein change: p.Gln1355Arg; replaces glutamine 1355 with arginine.
Molecular consequence: missense variant.
Genome position (GRCh38, 1-based): chr21:46,254,464, T>C on the plus strand (A>G on the coding strand, the complement: MCM3AP is on the minus strand). VCF-style: chr21-46254464-T-C. GRCh37 (hg19) VCF-style: chr21-47674378-T-C.
Other names: short protein forms Q1355R.
Identifiers: ClinVar variation 1433251 (VCV001433251.5), dbSNP rs145378227, ClinGen allele CA10076257.